The following is an entry in ClinVar:

ClinVar aggregate classification (germline): Conflicting classifications of pathogenicity. Review status: criteria provided, conflicting classifications (1 of 4 stars). 3 submissions from 3 submitters: Uncertain significance (2); Likely benign (1). Last evaluated 2026-01-28.

Conditions:
Bartter disease type 1. Also called: HYPERPROSTAGLANDIN E SYNDROME 1; HYPOKALEMIC ALKALOSIS WITH HYPERCALCIURIA 1, ANTENATAL; Bartter Syndrome type 1; Bartter syndrome, type 1, antenatal. Identifiers: Orphanet 112, Orphanet 620217, MedGen C1866495, MONDO:0100344, OMIM 601678, MONDO:0011127.

gnomAD v4.1: 51 of 1,547,292 alleles (0.0033%); highest among the groups gnomAD compares: African/African-American, 0.06%; no homozygotes.

Submissions (3):

Labcorp Genetics (formerly Invitae), Labcorp
Classification: Likely benign. Last evaluated: 2026-01-28. Review status: criteria provided, single submitter. Criteria: Invitae Variant Classification Sherloc (09022015). Collection method: clinical testing. Allele origin: germline.

Women's Health and Genetics/Laboratory Corporation of America, LabCorp
Classification: Uncertain significance. Last evaluated: 2025-01-29. Review status: criteria provided, single submitter. Criteria: LabCorp Variant Classification Summary - May 2015. Collection method: clinical testing. Allele origin: germline.
Comment: Variant summary: SLC12A1 c.2958G>C (p.Glu986Asp) results in a conservative amino acid change in the encoded protein sequence. Four of five in-silico tools predict a benign effect of the variant on protein function. The variant allele was found at a frequency of 4.5e-05 in 178378 control chromosomes. The available data on variant occurrences in the general population are insufficient to allow any conclusion about variant significance. To our knowledge, no occurrence of c.2958G>C in individuals affected with Bartter Syndrome, Type 1 and no experimental evidence demonstrating its impact on protein function have been reported. ClinVar contains an entry for this variant (Variation ID: 3577331). Based on the evidence outlined above, the variant was classified as uncertain significance.

Fulgent Genetics
Classification: Uncertain significance for Bartter disease type 1. Last evaluated: 2024-05-01. Review status: criteria provided, single submitter. Criteria: ACMG Guidelines, 2015. Collection method: clinical testing. Allele origin: germline.

NM_000338.3(SLC12A1):c.2958G>C (p.Glu986Asp)

Gene: SLC12A1 (solute carrier family 12 member 1; plus strand). Cytogenetic location: 15q21.1.
Variant type: single nucleotide variant.
Coding change: c.2958G>C on transcript NM_000338.3 (MANE Select); coding-DNA position 2958, G replaced by C.
Protein change: p.Glu986Asp; replaces glutamic acid 986 with aspartic acid.
Molecular consequence: missense variant.
Genome position (GRCh38, 1-based): chr15:48,291,862, G>C. VCF-style: chr15-48291862-G-C. GRCh37 (hg19) VCF-style: chr15-48584059-G-C.
Other names: c.2958G>C, p.Glu986Asp (NM_001184832.2, NM_001384136.1); short protein forms E986D.
Identifiers: ClinVar variation 3577331 (VCV003577331.4).
Genomic context (GRCh38, chr15:48,291,862, plus strand): 5'-TAGGATAAAATTTGCAGACATCCATATCATCGGTGACATCAACATTAGGCCAAACAAAGA[G>C]AGGTATGAAATATTTAACAAGAGACATTGATTACCCATGGTACTCTCTCATTCTCTTTTG-3'
Protein context (NP_000329.2, residues 976-996): IGDINIRPNK[Glu986Asp]SWKVFEEMIE